The following is an entry in ClinVar:

ClinVar aggregate classification (germline): Uncertain significance. Review status: criteria provided, multiple submitters, no conflicts (2 of 4 stars). 2 submissions from 2 submitters: Uncertain significance (2). Last evaluated 2025-03-19.

Conditions:
POLD1-related polyposis and colorectal cancer syndrome (CRCS10). Also called: Colorectal cancer 10; COLORECTAL CANCER, SUSCEPTIBILITY TO, ON CHROMOSOME 19q; Colorectal cancer, susceptibility to, 10. Identifiers: Orphanet 220460, MedGen C2675481, MONDO:0012953, OMIM 612591.

Submissions (2):

Labcorp Genetics (formerly Invitae), Labcorp
Classification: Uncertain significance for POLD1-related polyposis and colorectal cancer syndrome. Last evaluated: 2025-03-19. Review status: criteria provided, single submitter. Criteria: Invitae Variant Classification Sherloc (09022015). Collection method: clinical testing. Allele origin: germline.
Comment: This sequence change replaces alanine, which is neutral and non-polar, with threonine, which is neutral and polar, at codon 536 of the POLD1 protein (p.Ala536Thr). This variant is not present in population databases (gnomAD no frequency). This variant has not been reported in the literature in individuals affected with POLD1-related conditions. ClinVar contains an entry for this variant (Variation ID: 3240167). Invitae Evidence Modeling of protein sequence and biophysical properties (such as structural, functional, and spatial information, amino acid conservation, physicochemical variation, residue mobility, and thermodynamic stability) indicates that this missense variant is expected to disrupt POLD1 protein function with a positive predictive value of 80%. In summary, the available evidence is currently insufficient to determine the role of this variant in disease. Therefore, it has been classified as a Variant of Uncertain Significance.

Baylor Genetics
Classification: Uncertain significance for POLD1-related polyposis and colorectal cancer syndrome. Last evaluated: 2024-03-18. Review status: criteria provided, single submitter. Criteria: ACMG Guidelines, 2015. Collection method: clinical testing. Allele origin: unknown.

NM_002691.4(POLD1):c.1606G>A (p.Ala536Thr)

Gene: POLD1 (DNA polymerase delta 1, catalytic subunit; plus strand). Cytogenetic location: 19q13.33.
Variant type: single nucleotide variant.
Coding change: c.1606G>A on transcript NM_002691.4 (MANE Select); coding-DNA position 1606, G replaced by A.
Protein change: p.Ala536Thr; replaces alanine 536 with threonine.
Molecular consequence: missense variant. On other transcripts: non-coding transcript variant (1).
Genome position (GRCh38, 1-based): chr19:50,407,094, G>A. VCF-style: chr19-50407094-G-A. GRCh37 (hg19) VCF-style: chr19-50910351-G-A.
Other names: c.1606G>A, p.Ala536Thr (NM_001256849.1, NM_001308632.1); short protein forms A536T.
Identifiers: ClinVar variation 3240167 (VCV003240167.2), dbSNP rs2514000420.